The following is an entry in ClinVar:

ClinVar aggregate classification (germline): Likely benign. Review status: criteria provided, multiple submitters, no conflicts (2 of 4 stars). 2 submissions from 2 submitters: Likely benign (2). Last evaluated 2018-06-19.

Allele frequency attached by ClinVar (database versions not stated): 1000 Genomes Project 0.00958; 1000 Genomes Project 30x 0.00984; ESP Exome Variant Server 0.01804; gnomAD 0.01820 and 0.01921; TOPMed 0.01960; gnomAD exomes 0.02041 and 0.02860; ExAC 0.02470.
gnomAD v4.1: 40,842 of 1,489,836 alleles (2.7%); highest among the groups gnomAD compares: Non-Finnish European, 3.2%; 655 homozygotes.

Submissions (2):

GeneDx
Classification: Likely benign. Last evaluated: 2018-06-19. Review status: criteria provided, single submitter. Criteria: GeneDx Variant Classification (06012015). Collection method: clinical testing. Allele origin: germline. Affected: yes.
Comment: This variant is considered likely benign or benign based on one or more of the following criteria: it is a conservative change, it occurs at a poorly conserved position in the protein, it is predicted to be benign by multiple in silico algorithms, and/or has population frequency not consistent with disease.

Breakthrough Genomics
Classification: Likely benign. Review status: criteria provided, single submitter. Criteria: ACMG Guidelines, 2015. Collection method: not provided. Allele origin: germline. Inheritance: Autosomal recessive inheritance. Affected: yes.

NM_001377.3(DYNC2H1):c.8694+28T>C

Gene: DYNC2H1 (dynein cytoplasmic 2 heavy chain 1; plus strand). Cytogenetic location: 11q22.3.
Variant type: single nucleotide variant.
Coding change: c.8694+28T>C on transcript NM_001377.3 (MANE Select); 28 bases into the intron after coding-DNA position 8694, T replaced by C.
Molecular consequence: intron variant.
Genome position (GRCh38, 1-based): chr11:103,211,971, T>C. VCF-style: chr11-103211971-T-C. GRCh37 (hg19) VCF-style: chr11-103082700-T-C.
Other names: c.8694+28T>C (NM_001080463.2).
Identifiers: ClinVar variation 675904 (VCV000675904.2), dbSNP rs11225606, ClinGen allele CA6254505.